The following is an entry in ClinVar:

NM_177438.3(DICER1):c.1305T>G (p.Pro435=)

Gene: DICER1 (dicer 1, ribonuclease III; minus strand). Cytogenetic location: 14q32.13.
Variant type: single nucleotide variant.
Coding change: c.1305T>G on transcript NM_177438.3 (MANE Select); coding-DNA position 1305, T replaced by G.
Protein change: p.Pro435=; no amino-acid change (proline 435 retained).
Molecular consequence: synonymous variant.
Genome position (GRCh38, 1-based): chr14:95,124,267, A>C on the plus strand (T>G on the coding strand, the complement: DICER1 is on the minus strand). VCF-style: chr14-95124267-A-C. GRCh37 (hg19) VCF-style: chr14-95590604-A-C.
Other names: c.1305T>G, p.Pro435= (NM_001195573.1, NM_001271282.3, NM_001291628.2 and 1 more transcripts).
Identifiers: ClinVar variation 1093867 (VCV001093867.13), dbSNP rs2140201541, ClinGen allele CA487845129.
Genomic context (GRCh38, chr14:95,124,267, plus strand): 5'-AACTGCTGTGTATCTTCTTTCCACAAAAATAATTCCGCACAAAATGTTGGTAAAAGGAGA[A>C]GGAAAATTTGTCTCTGGCTTCTCTTTTTCTTCAATTTCTTCATCCTCATCATCATCCTCA-3'
Protein context (NP_803187.1, residues 425-445): EEKEKPETNF[Pro435=]SPFTNILCGI

ClinVar aggregate classification (germline): Benign/Likely benign. Review status: criteria provided, multiple submitters, no conflicts (2 of 4 stars). 3 submissions from 3 submitters: Benign (1); Likely benign (2). Last evaluated 2026-08-18.

Conditions:
Hereditary cancer-predisposing syndrome. Also called: Hereditary Cancer Syndrome; Hereditary neoplastic syndrome; Neoplastic Syndromes, Hereditary; Tumor predisposition. Identifiers: Orphanet 140162, MedGen C0027672, MeSH D009386, MONDO:0015356.
DICER1-related tumor predisposition. Also called: DICER1-related pleuropulmonary blastoma cancer predisposition syndrome; DICER1 syndrome. Identifiers: Orphanet 284343, MedGen C3839822, MONDO:0100216.

Submissions (3):

Myriad Genetics, Inc.
Classification: Benign for DICER1-related tumor predisposition. Last evaluated: 2026-08-18. Review status: criteria provided, single submitter. Criteria: Myriad Autosomal Dominant, Autosomal Recessive and X-Linked Classification Criteria (2023). Collection method: clinical testing. Allele origin: unknown.
Comment: This variant is considered benign. This variant is a silent/synonymous amino acid change and it is not expected to impact splicing.

Ambry Genetics
Classification: Likely benign for Hereditary cancer-predisposing syndrome. Last evaluated: 2021-03-28. Review status: criteria provided, single submitter. Criteria: Ambry Variant Classification Scheme 2023. Collection method: clinical testing. Allele origin: germline.

Labcorp Genetics (formerly Invitae), Labcorp
Classification: Likely benign for DICER1-related tumor predisposition. Last evaluated: 2020-07-19. Review status: criteria provided, single submitter. Criteria: Invitae Variant Classification Sherloc (09022015). Collection method: clinical testing. Allele origin: germline.